The following is an entry in ClinVar:

ClinVar aggregate classification (germline): Uncertain significance. Review status: criteria provided, multiple submitters, no conflicts (2 of 4 stars). 2 submissions from 2 submitters: Uncertain significance (2). Last evaluated 2023-02-02.

gnomAD v4.1: 10 of 1,611,232 alleles (0.00062%); highest among the groups gnomAD compares: Non-Finnish European, 0.00085%; no homozygotes.

Submissions (2):

Labcorp Genetics (formerly Invitae), Labcorp
Classification: Uncertain significance. Last evaluated: 2023-02-02. Review status: criteria provided, single submitter. Criteria: Invitae Variant Classification Sherloc (09022015). Collection method: clinical testing. Allele origin: germline.
Comment: This sequence change replaces histidine, which is basic and polar, with proline, which is neutral and non-polar, at codon 228 of the FBXO11 protein (p.His228Pro). This variant is not present in population databases (gnomAD no frequency). This variant has not been reported in the literature in individuals affected with FBXO11-related conditions. ClinVar contains an entry for this variant (Variation ID: 1312822). Algorithms developed to predict the effect of missense changes on protein structure and function (SIFT, PolyPhen-2, Align-GVGD) all suggest that this variant is likely to be tolerated. In summary, the available evidence is currently insufficient to determine the role of this variant in disease. Therefore, it has been classified as a Variant of Uncertain Significance.

GeneDx
Classification: Uncertain significance. Last evaluated: 2020-06-29. Review status: criteria provided, single submitter. Criteria: GeneDx Variant Classification Process June 2021. Collection method: clinical testing. Allele origin: germline. Affected: yes.
Comment: Not observed in large population cohorts (Lek et al., 2016); In silico analysis supports that this missense variant has a deleterious effect on protein structure/function; Has not been previously published as pathogenic or benign to our knowledge

NM_001190274.2(FBXO11):c.683A>C (p.His228Pro)

Gene: FBXO11 (F-box protein 11; minus strand). Cytogenetic location: 2p16.3.
Variant type: single nucleotide variant.
Coding change: c.683A>C on transcript NM_001190274.2 (MANE Select); coding-DNA position 683, A replaced by C.
Protein change: p.His228Pro; replaces histidine 228 with proline.
Molecular consequence: missense variant.
Genome position (GRCh38, 1-based): chr2:47,835,906, T>G on the plus strand (A>C on the coding strand, the complement: FBXO11 is on the minus strand). VCF-style: chr2-47835906-T-G. GRCh37 (hg19) VCF-style: chr2-48063045-T-G.
Other names: c.431A>C, p.His144Pro (NM_001374325.1, NM_025133.4); short protein forms H144P, H228P.
Identifiers: ClinVar variation 1312822 (VCV001312822.5), dbSNP rs1398888171, ClinGen allele CA346812223.